The following is an entry in ClinVar:

NM_004168.4(SDHA):c.1795-6C>A

Gene: SDHA (succinate dehydrogenase complex flavoprotein subunit A; plus strand). Cytogenetic location: 5p15.33.
Variant type: single nucleotide variant.
Coding change: c.1795-6C>A on transcript NM_004168.4 (MANE Select); 6 bases into the intron before coding-DNA position 1795, C replaced by A.
Molecular consequence: intron variant.
Genome position (GRCh38, 1-based): chr5:254,387, C>A. VCF-style: chr5-254387-C-A. GRCh37 (hg19) VCF-style: chr5-254502-C-A.
Other names: c.1552-6C>A (NM_001330758.2); c.1651-6C>A (NM_001294332.2).
Identifiers: ClinVar variation 835655 (VCV000835655.10), dbSNP rs756792828, ClinGen allele CA3173429.
Genomic context (GRCh38, chr5:254,387, plus strand): 5'-CTGCTGTGTTTTTTCTGTATTGCTCTGTTAGAGTAATAAGAAACGTGATGGTGTTTCTGG[C>A]CTCAGGTGCGGATTGATGAGTACGATTACTCCAAGCCCATCCAGGGGCAACAGAAGAAGC-3'

ClinVar aggregate classification (germline): Uncertain significance (1 of 4 stars; one submission).

Conditions:
Pheochromocytoma/paraganglioma syndrome 5. Also called: Paragangliomas 5; SDHA-Related Hereditary Paraganglioma-Pheochromocytoma Syndrome. Identifiers: Orphanet 29072, MedGen C3279992, MONDO:0013602, OMIM 614165.
Mitochondrial complex II deficiency, nuclear type 1. Also called: SUCCINATE CoQ REDUCTASE DEFICIENCY. Identifiers: Orphanet 3208, MedGen C5700310, MONDO:0100294, OMIM 252011.

Allele frequency attached by ClinVar (database versions not stated): gnomAD exomes below 0.00001; ExAC 0.00002.

Submission:

Labcorp Genetics (formerly Invitae), Labcorp
Classification: Uncertain significance for Pheochromocytoma/paraganglioma syndrome 5; Mitochondrial complex II deficiency, nuclear type 1. Last evaluated: 2019-01-29. Review status: criteria provided, single submitter. Criteria: Invitae Variant Classification Sherloc (09022015). Collection method: clinical testing. Allele origin: germline.
Comment: Algorithms developed to predict the effect of sequence changes on RNA splicing suggest that this variant may disrupt the consensus splice site, but this prediction has not been confirmed by published transcriptional studies. This variant has not been reported in the literature in individuals with SDHA-related conditions. The frequency data for this variant in the population databases is considered unreliable, as metrics indicate poor data quality at this position in the ExAC database. This sequence change falls in intron 13 of the SDHA gene. It does not directly change the encoded amino acid sequence of the SDHA protein. In summary, the available evidence is currently insufficient to determine the role of this variant in disease. Therefore, it has been classified as a Variant of Uncertain Significance.